The following is an entry in ClinVar:

ClinVar aggregate classification (germline): Uncertain significance (1 of 4 stars; one submission).

Submission:

GeneDx
Classification: Uncertain significance. Last evaluated: 2024-01-25. Review status: criteria provided, single submitter. Criteria: GeneDx Variant Classification Process June 2021. Collection method: clinical testing. Allele origin: germline. Affected: yes.
Comment: Not observed at significant frequency in large population cohorts (gnomAD); In silico analysis supports that this missense variant does not alter protein structure/function; Has not been previously published as pathogenic or benign to our knowledge

NM_033380.3(COL4A5):c.2281C>T (p.Pro761Ser)

Gene: COL4A5 (collagen type IV alpha 5 chain; plus strand). Cytogenetic location: Xq22.3.
Variant type: single nucleotide variant.
Coding change: c.2281C>T on transcript NM_033380.3 (MANE Select); coding-DNA position 2281, C replaced by T.
Protein change: p.Pro761Ser; replaces proline 761 with serine.
Molecular consequence: missense variant.
Genome position (GRCh38, 1-based): chrX:108,606,778, C>T. VCF-style: chrX-108606778-C-T. GRCh37 (hg19) VCF-style: chrX-107850008-C-T.
Other names: c.2281C>T, p.Pro761Ser (NM_000495.5); short protein forms P761S.
Identifiers: ClinVar variation 3368258 (VCV003368258.1).